The following is an entry in ClinVar:

NM_005051.3(QARS1):c.3G>A (p.Met1Ile)

Gene: QARS1 (glutaminyl-tRNA synthetase 1; minus strand). Cytogenetic location: 3p21.31.
Variant type: single nucleotide variant.
Coding change: c.3G>A on transcript NM_005051.3 (MANE Select); coding-DNA position 3, G replaced by A.
Protein change: p.Met1Ile; changes the start codon (methionine 1).
Molecular consequence: missense variant, initiator codon variant. On other transcripts: non-coding transcript variant (1).
Genome position (GRCh38, 1-based): chr3:49,104,731, C>T on the plus strand (G>A on the coding strand, the complement: QARS1 is on the minus strand). VCF-style: chr3-49104731-C-T. GRCh37 (hg19) VCF-style: chr3-49142164-C-T.
Other names: c.3G>A, p.Met1Ile (NM_001272073.2); short protein forms M1I.
Identifiers: ClinVar variation 2011161 (VCV002011161.5), dbSNP rs2471867217, ClinGen allele CA352724521.

ClinVar aggregate classification (germline): Pathogenic (1 of 4 stars; one submission).

Conditions:
Diffuse cerebral and cerebellar atrophy - intractable seizures - progressive microcephaly syndrome. Also called: Microcephaly, progressive, with seizures and cerebral and cerebellar atrophy. Identifiers: Orphanet 404437, MedGen C4014239, MONDO:0014335, OMIM 615760.

Submission:

Labcorp Genetics (formerly Invitae), Labcorp
Classification: Pathogenic for Diffuse cerebral and cerebellar atrophy - intractable seizures - progressive microcephaly syndrome. Last evaluated: 2022-06-26. Review status: criteria provided, single submitter. Criteria: Invitae Variant Classification Sherloc (09022015). Collection method: clinical testing. Allele origin: germline.
Comment: For these reasons, this variant has been classified as Pathogenic. This variant disrupts a region of the QARS protein in which other variant(s) (p.Gly45Val) have been determined to be pathogenic (PMID: 24656866, 26869582). This suggests that this is a clinically significant region of the protein, and that variants that disrupt it are likely to be disease-causing. This variant has not been reported in the literature in individuals affected with QARS-related conditions. This variant is not present in population databases (gnomAD no frequency). This sequence change affects the initiator methionine of the QARS mRNA. The next in-frame methionine is located at codon 146.

Literature cited by the submitters: PubMed 24656866; PubMed 26869582.